The following is an entry in ClinVar:

NM_016156.6(MTMR2):c.553C>T (p.Pro185Ser)

Gene: MTMR2 (myotubularin related protein 2; minus strand). Cytogenetic location: 11q21.
Variant type: single nucleotide variant.
Coding change: c.553C>T on transcript NM_016156.6 (MANE Select); coding-DNA position 553, C replaced by T.
Protein change: p.Pro185Ser; replaces proline 185 with serine.
Molecular consequence: missense variant.
Genome position (GRCh38, 1-based): chr11:95,858,548, G>A on the plus strand (C>T on the coding strand, the complement: MTMR2 is on the minus strand). VCF-style: chr11-95858548-G-A. GRCh37 (hg19) VCF-style: chr11-95591712-G-A.
Other names: c.337C>T, p.Pro113Ser (NM_001243571.2, NM_201278.3, NM_201281.3); c.553C>T (NM_016156.5); short protein forms P113S, P185S.
Identifiers: ClinVar variation 1517616 (VCV001517616.8), dbSNP rs577896427, ClinGen allele CA6240301.
Genomic context (GRCh38, chr11:95,858,548, plus strand): 5'-AATAATTATAGCACAAATTTTCCAAAGACAGGAAACATTTTACCAGGTTATTAGAGACAG[G>A]AAATGCATATTTCATTAGATTCTCAAATATGGATCTTCTTGTCCGCCCCTCAGGTTTATG-3'
Protein context (NP_057240.3, residues 175-195): IFENLMKYAF[Pro185Ser]VSNNLPLFAF

ClinVar aggregate classification (germline): Uncertain significance. Review status: criteria provided, multiple submitters, no conflicts (2 of 4 stars). 2 submissions from 2 submitters: Uncertain significance (2). Last evaluated 2023-12-18.

Conditions:
Charcot-Marie-Tooth disease type 4. Also called: Charcot-Marie-Tooth, Type 4; Charcot-Marie-Tooth disease, type IV. Identifiers: Orphanet 64749, MedGen C4082197, MONDO:0018995.
Inborn genetic diseases. Identifiers: MedGen C0950123, MeSH D030342.

Allele frequency attached by ClinVar (database versions not stated): gnomAD exomes below 0.00001; ExAC 0.00001; gnomAD 0.00001; 1000 Genomes Project 30x 0.00016; 1000 Genomes Project 0.00020.
gnomAD v4.1: 3 of 1,610,012 alleles (0.00019%); highest among the groups gnomAD compares: African/African-American, 0.0013%; no homozygotes.

Submissions (2):

Ambry Genetics
Classification: Uncertain significance for Inborn genetic diseases. Last evaluated: 2023-12-18. Review status: criteria provided, single submitter. Criteria: Ambry Variant Classification Scheme 2023. Collection method: clinical testing. Allele origin: germline.

Labcorp Genetics (formerly Invitae), Labcorp
Classification: Uncertain significance for Charcot-Marie-Tooth disease type 4. Last evaluated: 2021-02-04. Review status: criteria provided, single submitter. Criteria: Invitae Variant Classification Sherloc (09022015). Collection method: clinical testing. Allele origin: germline.
Comment: In summary, the available evidence is currently insufficient to determine the role of this variant in disease. Therefore, it has been classified as a Variant of Uncertain Significance. Advanced modeling of protein sequence and biophysical properties (such as structural, functional, and spatial information, amino acid conservation, physicochemical variation, residue mobility, and thermodynamic stability) performed at Invitae indicates that this missense variant is expected to disrupt MTMR2 protein function. This variant has not been reported in the literature in individuals with MTMR2-related conditions. This variant is present in population databases (rs577896427, ExAC 0.01%). This sequence change replaces proline with serine at codon 185 of the MTMR2 protein (p.Pro185Ser). The proline residue is highly conserved and there is a moderate physicochemical difference between proline and serine.